The following is an entry in ClinVar:

ClinVar aggregate classification (germline): Uncertain significance (1 of 4 stars; one submission).

Conditions:
Inborn genetic diseases. Identifiers: MedGen C0950123, MeSH D030342.

Submission:

Ambry Genetics
Classification: Uncertain significance for Inborn genetic diseases. Last evaluated: 2024-12-02. Review status: criteria provided, single submitter. Criteria: Ambry Variant Classification Scheme 2023. Collection method: clinical testing. Allele origin: germline.
Comment: The p.K209N variant (also known as c.627G>C), located in coding exon 5 of the HAX1 gene, results from a G to C substitution at nucleotide position 627. The lysine at codon 209 is replaced by asparagine, an amino acid with similar properties. This amino acid position is conserved. In addition, this alteration is predicted to be tolerated by in silico analysis. Based on the available evidence, the clinical significance of this variant remains unclear.

NM_006118.4(HAX1):c.627G>C (p.Lys209Asn)

Gene: HAX1 (HCLS1 associated protein X-1; plus strand). Cytogenetic location: 1q21.3.
Variant type: single nucleotide variant.
Coding change: c.627G>C on transcript NM_006118.4 (MANE Select); coding-DNA position 627, G replaced by C.
Protein change: p.Lys209Asn; replaces lysine 209 with asparagine.
Molecular consequence: missense variant.
Genome position (GRCh38, 1-based): chr1:154,275,224, G>C. VCF-style: chr1-154275224-G-C. GRCh37 (hg19) VCF-style: chr1-154247700-G-C.
Other names: c.483G>C, p.Lys161Asn (NM_001018837.2); short protein forms K209N, K161N.
Identifiers: ClinVar variation 3524095 (VCV003524095.1).
Genomic context (GRCh38, chr1:154,275,224, plus strand): 5'-CCAGGTTTCCCAGGAGGGTCTTGGCCCGGTTCTACAGCCCCAGCCCAAATCCTATTTCAA[G>C]AGCATCTCTGTGACCAAGATCACTAAACCAGATGGGGTGAGTTGAAAGAAAGAGGTAAAG-3'
Protein context (NP_006109.2, residues 199-219): VLQPQPKSYF[Lys209Asn]SISVTKITKP